The following is an entry in ClinVar:

ClinVar aggregate classification (germline): Uncertain significance (1 of 4 stars; one submission).

Conditions:
Familial sleep-related hypermotor epilepsy. Also called: Autosomal Dominant Sleep-Related Hypermotor (Hyperkinetic) Epilepsy. Identifiers: Orphanet 98784, MedGen C3696898, MONDO:0000030.

Allele frequency attached by ClinVar (database versions not stated): gnomAD exomes 0.00001.

Submission:

Labcorp Genetics (formerly Invitae), Labcorp
Classification: Uncertain significance. Last evaluated: 2018-11-06. Review status: criteria provided, single submitter. Criteria: Invitae Variant Classification Sherloc (09022015). Collection method: clinical testing. Allele origin: germline.
Comment: In summary, the available evidence is currently insufficient to determine the role of this variant in disease. Therefore, it has been classified as a Variant of Uncertain Significance. Algorithms developed to predict the effect of missense changes on protein structure and function are either unavailable or do not agree on the potential impact of this missense change (SIFT: "Deleterious"; PolyPhen-2: "Probably Damaging"; Align-GVGD: "Class C0"). This variant has not been reported in the literature in individuals with CHRNA2-related disease. This variant is not present in population databases (ExAC no frequency). This sequence change replaces lysine with methionine at codon 198 of the CHRNA2 protein (p.Lys198Met). The lysine residue is moderately conserved and there is a moderate physicochemical difference between lysine and methionine.

NM_000742.4(CHRNA2):c.593A>T (p.Lys198Met)

Gene: CHRNA2 (cholinergic receptor nicotinic alpha 2 subunit; minus strand). Cytogenetic location: 8p21.2.
Variant type: single nucleotide variant.
Coding change: c.593A>T on transcript NM_000742.4 (MANE Select); coding-DNA position 593, A replaced by T.
Protein change: p.Lys198Met; replaces lysine 198 with methionine.
Molecular consequence: missense variant. On other transcripts: 5 prime UTR variant (2).
Genome position (GRCh38, 1-based): chr8:27,463,850, T>A on the plus strand (A>T on the coding strand, the complement: CHRNA2 is on the minus strand). VCF-style: chr8-27463850-T-A. GRCh37 (hg19) VCF-style: chr8-27321367-T-A.
Other names: c.548A>T, p.Lys183Met (NM_001282455.2); c.116A>T, p.Lys39Met (NM_001347705.2, NM_001347706.2); c.-2A>T (NM_001347707.2, NM_001347708.2); short protein forms K183M, K39M, K198M.
Identifiers: ClinVar variation 652824 (VCV000652824.6), dbSNP rs1488678087, ClinGen allele CA370811258.